The following is an entry in ClinVar:

NR_164111.1(LMO7DN):n.218G>A

Gene: LMO7DN (LMO7 downstream neighbor; plus strand). Cytogenetic location: 13q22.2.
Variant type: single nucleotide variant.
Molecular consequence: non-coding transcript variant (on NR_164111.1).
Genome position: GRCh38 VCF-style: chr13-75873668-G-A. GRCh37 (hg19) VCF-style: chr13-76447804-G-A.
Identifiers: ClinVar variation 2643847 (VCV002643847.24), dbSNP rs183890915, ClinGen allele CA7006716.

ClinVar aggregate classification (germline): Likely benign (1 of 4 stars; one submission).

Allele frequency attached by ClinVar (database versions not stated): TOPMed 0.00017; gnomAD 0.00041; gnomAD exomes 0.00058; 1000 Genomes Project 0.00300; 1000 Genomes Project 30x 0.00344; ExAC 0.00479.

Submission:

CeGaT Center for Human Genetics Tuebingen
Classification: Likely benign. Last evaluated: 2023-03-01. Review status: criteria provided, single submitter. Criteria: CeGaT Center For Human Genetics Tuebingen Variant Classification Criteria Version 2. Collection method: clinical testing. Allele origin: germline. Affected: yes. Observed: 1 variant allele.
Comment: LMO7DN: BP4, BP7